The following is an entry in ClinVar:

ClinVar aggregate classification (germline): Uncertain significance (1 of 4 stars; one submission).

Submission:

GeneDx
Classification: Uncertain significance. Last evaluated: 2025-03-10. Review status: criteria provided, single submitter. Criteria: GeneDx Variant Classification Process June 2021. Collection method: clinical testing. Allele origin: germline. Affected: yes.
Comment: Not observed at significant frequency in large population cohorts (gnomAD); In silico analysis indicates that this missense variant does not alter protein structure/function; Has not been previously published as pathogenic or benign to our knowledge

NM_018896.5(CACNA1G):c.4219T>A (p.Ser1407Thr)

Gene: CACNA1G (calcium voltage-gated channel subunit alpha1 G; plus strand). Cytogenetic location: 17q21.33.
Variant type: single nucleotide variant.
Coding change: c.4219T>A on transcript NM_018896.5 (MANE Select); coding-DNA position 4219, T replaced by A.
Protein change: p.Ser1407Thr; replaces serine 1407 with threonine.
Molecular consequence: missense variant. On other transcripts: non-coding transcript variant (5).
Genome position (GRCh38, 1-based): chr17:50,604,204, T>A. VCF-style: chr17-50604204-T-A. GRCh37 (hg19) VCF-style: chr17-48681565-T-A.
Other names: c.4219T>A, p.Ser1407Thr (NM_198386.3, NM_001256324.2, NM_001256325.2 and 16 more transcripts); c.4150T>A, p.Ser1384Thr (NM_198387.3, NM_198388.3, NM_198396.3 and 5 more transcripts); short protein forms S1384T, S1407T.
Identifiers: ClinVar variation 4082886 (VCV004082886.1).
Genomic context (GRCh38, chr17:50,604,204, plus strand): 5'-CCCCTCCCCAGGGTGATCAGCCGGGCGCAGGGGCTGAAGCTGGTGGTGGAGACGCTGATG[T>A]CCTCACTGAAACCCATCGGCAACATTGTAGTCATCTGCTGTGCCTTCTTCATCATTTTCG-3'
Protein context (NP_061496.2, residues 1397-1417): GLKLVVETLM[Ser1407Thr]SLKPIGNIVV